The following is an entry in ClinVar:

ClinVar aggregate classification (germline): Uncertain significance (1 of 4 stars; one submission).

Submission:

GeneDx
Classification: Uncertain significance. Last evaluated: 2017-05-12. Review status: criteria provided, single submitter. Criteria: GeneDx Variant Classification (06012015). Collection method: clinical testing. Allele origin: germline. Affected: yes.
Comment: The I303M variant in the ADAR gene has not been reported previously as a pathogenic variant, nor as a benign variant, to our knowledge. This variant is not observed in large population cohorts (Lek et al., 2016; 1000 Genomes Consortium et al., 2015; Exome Variant Server). The I303M variant is a conservative amino acid substitution, which is not likely to impact secondary protein structure as these residues share similar properties. This substitution occurs at a position where amino acids with similar properties to Isoleucine are tolerated across species. In silico analysis is inconsistent in its predictions as to whether or not the variant is damaging to the protein structure/function. Based on currently available evidence, we interpret I303M as a variant of uncertain significance.

NM_001111.5(ADAR):c.909C>G (p.Ile303Met)

Gene: ADAR (adenosine deaminase RNA specific; minus strand). Cytogenetic location: 1q21.3.
Variant type: single nucleotide variant.
Coding change: c.909C>G on transcript NM_001111.5 (MANE Select); coding-DNA position 909, C replaced by G.
Protein change: p.Ile303Met; replaces isoleucine 303 with methionine.
Molecular consequence: missense variant.
Genome position (GRCh38, 1-based): chr1:154,601,733, G>C on the plus strand (C>G on the coding strand, the complement: ADAR is on the minus strand). VCF-style: chr1-154601733-G-C. GRCh37 (hg19) VCF-style: chr1-154574209-G-C.
Other names: c.24C>G, p.Ile8Met (NM_001025107.3, NM_001193495.2, NM_001365046.1 and 3 more transcripts); c.936C>G, p.Ile312Met (NM_001365045.1); c.909C>G, p.Ile303Met (NM_015840.4, NM_015841.4, LRG_1212t1); short protein forms I303M, I312M, I8M.
Identifiers: ClinVar variation 429644 (VCV000429644.2), dbSNP rs1131691507, ClinGen allele CA342599379.
Genomic context (GRCh38, chr1:154,601,733, plus strand): 5'-GCCAATATTTTTAGCCAAATTCAGGGCAGAGGAGTCAGACACATTGAAGAGATAGTCGCA[G>C]ATTTTCTCCTTGATCTCGGCCATGTCTAAAAACTCAAGAGGATCTTCCAAGGCAGATGTG-3'
Protein context (NP_001102.3, residues 293-313): FLDMAEIKEK[Ile303Met]CDYLFNVSDS